The following is an entry in ClinVar:

ClinVar aggregate classification (germline): Uncertain significance (1 of 4 stars; one submission).

Conditions:
Familial thoracic aortic aneurysm and aortic dissection (TAAD). Also called: Thoracic aortic aneurysms and dissections. Identifiers: Orphanet 91387, MedGen C4707243, MONDO:0019625.

Submission:

Ambry Genetics
Classification: Uncertain significance for Familial thoracic aortic aneurysm and aortic dissection. Last evaluated: 2025-08-08. Review status: criteria provided, single submitter. Criteria: Ambry Variant Classification Scheme 2023. Collection method: clinical testing. Allele origin: germline.
Comment: The p.P2722A variant (also known as c.8164C>G), located in coding exon 63 of the FBN2 gene, results from a C to G substitution at nucleotide position 8164. The proline at codon 2722 is replaced by alanine, an amino acid with highly similar properties. This amino acid position is highly conserved in available vertebrate species. In addition, the in silico prediction for this alteration is inconclusive. Based on the available evidence, the clinical significance of this variant remains unclear.

NM_001999.4(FBN2):c.8164C>G (p.Pro2722Ala)

Gene: FBN2 (fibrillin 2; minus strand). Cytogenetic location: 5q23.3.
Variant type: single nucleotide variant.
Coding change: c.8164C>G on transcript NM_001999.4 (MANE Select); coding-DNA position 8164, C replaced by G.
Protein change: p.Pro2722Ala; replaces proline 2722 with alanine.
Molecular consequence: missense variant.
Genome position (GRCh38, 1-based): chr5:128,263,453, G>C on the plus strand (C>G on the coding strand, the complement: FBN2 is on the minus strand). VCF-style: chr5-128263453-G-C. GRCh37 (hg19) VCF-style: chr5-127599145-G-C.
Other names: short protein forms P2722A.
Identifiers: ClinVar variation 4255503 (VCV004255503.1).